The following is an entry in ClinVar:

NM_002184.4(IL6ST):c.2639G>A (p.Gly880Asp)

Gene: IL6ST (interleukin 6 cytokine family signal transducer; minus strand). Cytogenetic location: 5q11.2.
Variant type: single nucleotide variant.
Coding change: c.2639G>A on transcript NM_002184.4 (MANE Select); coding-DNA position 2639, G replaced by A.
Protein change: p.Gly880Asp; replaces glycine 880 with aspartic acid.
Molecular consequence: missense variant. On other transcripts: 3 prime UTR variant (1), non-coding transcript variant (2).
Genome position (GRCh38, 1-based): chr5:55,941,200, C>T on the plus strand (G>A on the coding strand, the complement: IL6ST is on the minus strand). VCF-style: chr5-55941200-C-T. GRCh37 (hg19) VCF-style: chr5-55237028-C-T.
Other names: c.2456G>A, p.Gly819Asp (NM_001190981.2); c.2537G>A, p.Gly846Asp (NM_001364275.2); c.2429G>A, p.Gly810Asp (NM_001364276.2); c.1772G>A, p.Gly591Asp (NM_001364277.2); c.1736G>A, p.Gly579Asp (NM_001364278.2); c.1643G>A, p.Gly548Asp (NM_001364279.2); c.*1566G>A (NM_175767.3); short protein forms G548D, G591D, G579D, G846D, G880D, G810D, G819D.
Identifiers: ClinVar variation 1936782 (VCV001936782.5), dbSNP rs778244030, ClinGen allele CA3271119.
Genomic context (GRCh38, chr5:55,941,200, plus strand): 5'-CCTTCATCAGTCGCAGCCTCCATGCCAACTGTTTCAAATCTTTCTACTTGTCCCTCAGTA[C>T]CTGGACCAAAAGCATCTGCTGCAGAAACTTCCTGAAACATTTTCATTTGCCCAGATCCAC-3'
Protein context (NP_002175.2, residues 870-890): EVSAADAFGP[Gly880Asp]TEGQVERFET

ClinVar aggregate classification (germline): Uncertain significance (1 of 4 stars; one submission).

Allele frequency attached by ClinVar (database versions not stated): ExAC 0.00001; gnomAD 0.00001; TOPMed 0.00002.
gnomAD v4.1: 18 of 1,614,026 alleles (0.0011%); highest among the groups gnomAD compares: Non-Finnish European, 0.0014%; no homozygotes.

Submission:

Labcorp Genetics (formerly Invitae), Labcorp
Classification: Uncertain significance. Last evaluated: 2025-10-20. Review status: criteria provided, single submitter. Criteria: Invitae Variant Classification Sherloc (09022015). Collection method: clinical testing. Allele origin: germline.
Comment: This sequence change replaces glycine, which is neutral and non-polar, with aspartic acid, which is acidic and polar, at codon 880 of the IL6ST protein (p.Gly880Asp). This variant is present in population databases (rs778244030, gnomAD 0.002%). This variant has not been reported in the literature in individuals affected with IL6ST-related conditions. ClinVar contains an entry for this variant (Variation ID: 1936782). An algorithm developed to predict the effect of missense changes on protein structure and function (PolyPhen-2) suggests that this variant is likely to be tolerated. In summary, the available evidence is currently insufficient to determine the role of this variant in disease. Therefore, it has been classified as a Variant of Uncertain Significance.